The following is an entry in ClinVar:

NM_030962.4(SBF2):c.446A>G (p.Asn149Ser)

Gene: SBF2 (SET binding factor 2; minus strand). Cytogenetic location: 11p15.4.
Variant type: single nucleotide variant.
Coding change: c.446A>G on transcript NM_030962.4 (MANE Select); coding-DNA position 446, A replaced by G.
Protein change: p.Asn149Ser; replaces asparagine 149 with serine.
Molecular consequence: missense variant.
Genome position (GRCh38, 1-based): chr11:10,029,832, T>C on the plus strand (A>G on the coding strand, the complement: SBF2 is on the minus strand). VCF-style: chr11-10029832-T-C. GRCh37 (hg19) VCF-style: chr11-10051379-T-C.
Other names: c.446A>G, p.Asn149Ser (NM_001386339.1, NM_001386342.1); short protein forms N149S.
Identifiers: ClinVar variation 656277 (VCV000656277.9), dbSNP rs1337725457, ClinGen allele CA379646320.

ClinVar aggregate classification (germline): Uncertain significance (1 of 4 stars; one submission).

Conditions:
Charcot-Marie-Tooth disease type 4. Also called: Charcot-Marie-Tooth disease, type IV; Charcot-Marie-Tooth, Type 4. Identifiers: Orphanet 64749, MedGen C4082197, MONDO:0018995.

Allele frequency attached by ClinVar (database versions not stated): gnomAD exomes below 0.00001; TOPMed below 0.00001; gnomAD 0.00001.
gnomAD v4.1: 4 of 1,613,850 alleles (0.00025%); highest among the groups gnomAD compares: Non-Finnish European, 0.00034%; no homozygotes.

Submission:

Labcorp Genetics (formerly Invitae), Labcorp
Classification: Uncertain significance for Charcot-Marie-Tooth disease type 4. Last evaluated: 2018-10-16. Review status: criteria provided, single submitter. Criteria: Invitae Variant Classification Sherloc (09022015). Collection method: clinical testing. Allele origin: germline.
Comment: In summary, the available evidence is currently insufficient to determine the role of this variant in disease. Therefore, it has been classified as a Variant of Uncertain Significance. Algorithms developed to predict the effect of missense changes on protein structure and function output the following: SIFT: "Tolerated"; PolyPhen-2: "Benign"; Align-GVGD: "Class C0". The serine amino acid residue is found in multiple mammalian species, suggesting that this missense change does not adversely affect protein function. These predictions have not been confirmed by published functional studies and their clinical significance is uncertain. This variant has not been reported in the literature in individuals with SBF2-related disease. This variant is not present in population databases (ExAC no frequency). This sequence change replaces asparagine with serine at codon 149 of the SBF2 protein (p.Asn149Ser). The asparagine residue is weakly conserved and there is a small physicochemical difference between asparagine and serine.